The following is an entry in ClinVar:

NM_001144967.3(NEDD4L):c.1530C>G (p.Asn510Lys)

Gene: NEDD4L (NEDD4 like E3 ubiquitin protein ligase; plus strand). Cytogenetic location: 18q21.31.
Variant type: single nucleotide variant.
Coding change: c.1530C>G on transcript NM_001144967.3 (MANE Select); coding-DNA position 1530, C replaced by G.
Protein change: p.Asn510Lys; replaces asparagine 510 with lysine.
Molecular consequence: missense variant.
Genome position (GRCh38, 1-based): chr18:58,343,058, C>G. VCF-style: chr18-58343058-C-G. GRCh37 (hg19) VCF-style: chr18-56010290-C-G.
Other names: c.1167C>G, p.Asn389Lys (NM_001144964.1, NM_001144965.2, NM_001144966.3); c.1506C>G, p.Asn502Lys (NM_001144968.2); c.1446C>G, p.Asn482Lys (NM_001144969.2); c.1107C>G, p.Asn369Lys (NM_001144970.3, NM_001144971.2); c.1338C>G, p.Asn446Lys (NM_001243960.2); c.1470C>G, p.Asn490Lys (NM_015277.6); short protein forms N510K, N369K, N490K, N502K, N482K, N389K, N446K.
Identifiers: ClinVar variation 937940 (VCV000937940.9), dbSNP rs199582650, ClinGen allele CA402537513.

ClinVar aggregate classification (germline): Uncertain significance (1 of 4 stars; one submission).

Submission:

Labcorp Genetics (formerly Invitae), Labcorp
Classification: Uncertain significance. Last evaluated: 2024-08-12. Review status: criteria provided, single submitter. Criteria: Invitae Variant Classification Sherloc (09022015). Collection method: clinical testing. Allele origin: germline.
Comment: This sequence change replaces asparagine, which is neutral and polar, with lysine, which is basic and polar, at codon 490 of the NEDD4L protein (p.Asn490Lys). This variant is not present in population databases (gnomAD no frequency). This variant has not been reported in the literature in individuals affected with NEDD4L-related conditions. ClinVar contains an entry for this variant (Variation ID: 937940). Advanced modeling of protein sequence and biophysical properties (such as structural, functional, and spatial information, amino acid conservation, physicochemical variation, residue mobility, and thermodynamic stability) performed at Invitae indicates that this missense variant is not expected to disrupt NEDD4L protein function with a negative predictive value of 80%. In summary, the available evidence is currently insufficient to determine the role of this variant in disease. Therefore, it has been classified as a Variant of Uncertain Significance.